The following is an entry in ClinVar:

NM_054027.6(ANKH):c.*724A>C

Genes: ANKH (ANKH inorganic pyrophosphate transport regulator; minus strand), OTULIN (OTU deubiquitinase with linear linkage specificity; plus strand). Cytogenetic location: 5p15.2.
Variant type: single nucleotide variant.
Coding change: c.*724A>C on transcript NM_054027.6 (MANE Select); 724 bases downstream of the stop codon, A replaced by C.
Molecular consequence: 3 prime UTR variant.
Genome position (GRCh38, 1-based): chr5:14,710,473, T>G on the plus strand (A>C on the coding strand, the complement: ANKH is on the minus strand). VCF-style: chr5-14710473-T-G. GRCh37 (hg19) VCF-style: chr5-14710582-T-G.
Identifiers: ClinVar variation 351482 (VCV000351482.5), dbSNP rs141576604, ClinGen allele CA10619318.
Genomic context (GRCh38, chr5:14,710,473, plus strand): 5'-TTTAAAAAAGTTAGCTCATGTATATACACGGTGGGGGTGAGAACTGACAGCTTGCTCAGA[T>G]CTAGGAGAACGCAGAGTGAAATGCTATCATTCAACCATGTCAGTTTGCTGCCCCCGGGGC-3'

ClinVar aggregate classification (germline): Benign. Review status: criteria provided, single submitter (1 of 4 stars). 2 submissions from 1 submitter: Benign (2). Last evaluated 2018-01-13.

Conditions:
Craniometaphyseal dysplasia, autosomal dominant (CMDD). Identifiers: Orphanet 1522, MedGen C1852502, MONDO:0007397, OMIM 123000.
Chondrocalcinosis 2. Also called: CALCIUM GOUT; CALCIUM PYROPHOSPHATE ARTHROPATHY; Familial calcium pyrophosphate deposition. Identifiers: Orphanet 1416, MedGen C0856830, MONDO:0007319, OMIM 118600.

Allele frequency attached by ClinVar (database versions not stated): 1000 Genomes Project 30x 0.00500; 1000 Genomes Project 0.00559; gnomAD 0.00578 and 0.00627; TOPMed 0.00656.

Submissions (2):

Illumina Laboratory Services, Illumina
Classification: Benign for Chondrocalcinosis 2. Last evaluated: 2018-01-13. Review status: criteria provided, single submitter. Criteria: ICSL Variant Classification Criteria 13 December 2019. Collection method: clinical testing. Allele origin: germline.
Comment: This variant was observed in the ICSL laboratory as part of a predisposition screen in an ostensibly healthy population. It had not been previously curated by ICSL or reported in the Human Gene Mutation Database (HGMD: prior to June 1st, 2018), and was therefore a candidate for classification through an automated scoring system. Utilizing variant allele frequency, disease prevalence and penetrance estimates, and inheritance mode, an automated score was calculated to assess if this variant is too frequent to cause the disease. Based on the score and internal cut-off values, a variant classified as benign is not then subjected to further curation. The score for this variant resulted in a classification of benign for this disease.

Illumina Laboratory Services, Illumina
Classification: Benign for Craniometaphyseal dysplasia, autosomal dominant. Last evaluated: 2018-01-13. Review status: criteria provided, single submitter. Criteria: ICSL Variant Classification Criteria 13 December 2019. Collection method: clinical testing. Allele origin: germline.
Comment: the same text as in the submission from Illumina Laboratory Services, Illumina above.